The following is an entry in ClinVar:

NM_002474.3(MYH11):c.5421C>T (p.Ala1807=)

Genes: NDE1 (nudE neurodevelopment protein 1; plus strand), MYH11 (myosin heavy chain 11; minus strand). Cytogenetic location: 16p13.11.
Variant type: single nucleotide variant.
Coding change: c.5421C>T on transcript NM_002474.3 (MANE Select); coding-DNA position 5421, C replaced by T.
Protein change: p.Ala1807=; no amino-acid change (alanine 1807 retained).
Molecular consequence: synonymous variant. On other transcripts: intron variant (2).
Genome position (GRCh38, 1-based): chr16:15,717,223, G>A on the plus strand (C>T on the coding strand, the complement: MYH11 is on the minus strand). VCF-style: chr16-15717223-G-A. GRCh37 (hg19) VCF-style: chr16-15811080-G-A.
Other names: c.5442C>T, p.Ala1814= (NM_001040113.2, NM_001040114.2); c.5421C>T, p.Ala1807= (NM_022844.3); c.948-6968G>A (NM_001143979.2, NM_017668.3).
Identifiers: ClinVar variation 318094 (VCV000318094.22), dbSNP rs145857508, ClinGen allele CA7921276.
Genomic context (GRCh38, chr16:15,717,223, plus strand): 5'-CTCCAGCTGTGCAATCTTGGCCTCCAGCGCCGCGATGGTGGACTTGAACTTGGACTTGAC[G>A]GCCCCCTCCATCTCGTGGAGCTTGCTCCGGAGCTCCTTGTTCTGCCGCTCGAGCTGCTGC-3'
Protein context (NP_002465.1, residues 1797-1817): LRSKLHEMEG[Ala1807=]VKSKFKSTIA

ClinVar aggregate classification (germline): Conflicting classifications of pathogenicity. Review status: criteria provided, conflicting classifications (1 of 4 stars). 5 submissions from 5 submitters: Uncertain significance (1); Likely benign (4). Last evaluated 2025-09-02.

Conditions:
Familial thoracic aortic aneurysm and aortic dissection (TAAD). Also called: Thoracic aortic aneurysms and dissections. Identifiers: Orphanet 91387, MedGen C4707243, MONDO:0019625.
Aortic aneurysm, familial thoracic 4 (AAT4). Also called: AORTIC ANEURYSM/AORTIC DISSECTION AND PATENT DUCTUS ARTERIOSUS. Identifiers: MedGen C1851504, MONDO:0007568, OMIM 132900.

Allele frequency attached by ClinVar (database versions not stated): gnomAD 0.00003; TOPMed 0.00003.
gnomAD v4.1: 32 of 1,614,072 alleles (0.002%); highest among the groups gnomAD compares: East Asian, 0.011%; no homozygotes.

Submissions (5):

Labcorp Genetics (formerly Invitae), Labcorp
Classification: Likely benign for Aortic aneurysm, familial thoracic 4. Last evaluated: 2025-09-02. Review status: criteria provided, single submitter. Criteria: Invitae Variant Classification Sherloc (09022015). Collection method: clinical testing. Allele origin: germline.

All of Us Research Program, National Institutes of Health
Classification: Likely benign for Familial thoracic aortic aneurysm and aortic dissection. Last evaluated: 2024-01-11. Review status: criteria provided, single submitter. Criteria: ACMG Guidelines, 2015. Collection method: clinical testing. Allele origin: germline. Inheritance: Autosomal dominant inheritance. Observed: 7 variant alleles, 7 heterozygotes.
Comment: This study involves interpretation of variants in research participants for the purpose of population health screening. Participant phenotype was not available at the time of variant classification. Additional details can be found in publication PMID: 35346344, PMCID: PMC8962531

Ambry Genetics
Classification: Likely benign for Familial thoracic aortic aneurysm and aortic dissection. Last evaluated: 2021-07-06. Review status: criteria provided, single submitter. Criteria: Ambry Variant Classification Scheme 2023. Collection method: clinical testing. Allele origin: germline.

Color Diagnostics, LLC DBA Color Health
Classification: Likely benign for Familial thoracic aortic aneurysm and aortic dissection. Last evaluated: 2018-11-25. Review status: criteria provided, single submitter. Criteria: ACMG Guidelines, 2015. Collection method: clinical testing. Allele origin: germline.

Illumina Laboratory Services, Illumina
Classification: Uncertain significance for Aortic aneurysm, familial thoracic 4. Last evaluated: 2018-01-13. Review status: criteria provided, single submitter. Criteria: ICSL Variant Classification Criteria 13 December 2019. Collection method: clinical testing. Allele origin: germline.